The following is an entry in ClinVar:

NM_006279.5(ST3GAL3):c.235G>A (p.Ala79Thr)

Gene: ST3GAL3 (ST3 beta-galactoside alpha-2,3-sialyltransferase 3; plus strand). Cytogenetic location: 1p34.1.
Variant type: single nucleotide variant.
Coding change: c.235G>A on transcript NM_006279.5 (MANE Select); coding-DNA position 235, G replaced by A.
Protein change: p.Ala79Thr; replaces alanine 79 with threonine.
Molecular consequence: missense variant. On other transcripts: 5 prime UTR variant (1), non-coding transcript variant (7), intron variant (2).
Genome position (GRCh38, 1-based): chr1:43,838,244, G>A. VCF-style: chr1-43838244-G-A. GRCh37 (hg19) VCF-style: chr1-44303916-G-A.
Other names: c.235G>A, p.Ala79Thr (NM_001270459.2, NM_001350620.2, NM_174966.4 and 1 more transcripts); c.187G>A, p.Ala63Thr (NM_001270461.3, NM_001270464.3, NM_001270466.3 and 2 more transcripts); c.232G>A, p.Ala78Thr (NM_001270463.3, NM_001270465.3); c.280G>A, p.Ala94Thr (NM_001350619.2, NM_174964.4, NM_174965.4); c.-219G>A (NM_001350621.2); c.397G>A, p.Ala133Thr (NM_001363573.2, NM_174968.5); c.442G>A, p.Ala148Thr (NM_174963.5); c.349G>A, p.Ala117Thr (NM_174971.5); and 2 more; short protein forms A117T, A133T, A148T, A94T, A63T, A79T, A78T.
Identifiers: ClinVar variation 1419102 (VCV001419102.6), dbSNP rs778068441, ClinGen allele CA814600.

ClinVar aggregate classification (germline): Uncertain significance (1 of 4 stars; one submission).

Conditions:
Developmental and epileptic encephalopathy. Identifiers: MedGen C5779964, MONDO:0100620.

Allele frequency attached by ClinVar (database versions not stated): gnomAD exomes 0.00001; TOPMed 0.00001; ExAC 0.00002.
gnomAD v4.1: 20 of 1,610,730 alleles (0.0012%); highest among the groups gnomAD compares: Non-Finnish European, 0.0016%; no homozygotes.

Submission:

Labcorp Genetics (formerly Invitae), Labcorp
Classification: Uncertain significance for Early-infantile DEE. Last evaluated: 2021-09-24. Review status: criteria provided, single submitter. Criteria: Invitae Variant Classification Sherloc (09022015). Collection method: clinical testing. Allele origin: germline.
Comment: This sequence change replaces alanine with threonine at codon 79 of the ST3GAL3 protein (p.Ala79Thr). The alanine residue is moderately conserved and there is a small physicochemical difference between alanine and threonine. This variant is present in population databases (rs778068441, ExAC 0.003%). This variant has not been reported in the literature in individuals with ST3GAL3-related conditions. Algorithms developed to predict the effect of missense changes on protein structure and function are either unavailable or do not agree on the potential impact of this missense change (SIFT: "Deleterious"; PolyPhen-2: "Benign"; Align-GVGD: "Class C0"). In summary, the available evidence is currently insufficient to determine the role of this variant in disease. Therefore, it has been classified as a Variant of Uncertain Significance.